The following is an entry in ClinVar:

NM_001083614.2(EARS2):c.1540C>T (p.Arg514Trp)

Gene: EARS2 (glutamyl-tRNA synthetase 2, mitochondrial; minus strand). Cytogenetic location: 16p12.2.
Variant type: single nucleotide variant.
Coding change: c.1540C>T on transcript NM_001083614.2 (MANE Select); coding-DNA position 1540, C replaced by T.
Protein change: p.Arg514Trp; replaces arginine 514 with tryptophan.
Molecular consequence: missense variant. On other transcripts: non-coding transcript variant (1).
Genome position (GRCh38, 1-based): chr16:23,524,403, G>A on the plus strand (C>T on the coding strand, the complement: EARS2 is on the minus strand). VCF-style: chr16-23524403-G-A. GRCh37 (hg19) VCF-style: chr16-23535724-G-A.
Other names: c.1540C>T, p.Arg514Trp (NM_133451.1); short protein forms R514W.
Identifiers: ClinVar variation 2302440 (VCV002302440.4), dbSNP rs376807600, ClinGen allele CA7962249.

ClinVar aggregate classification (germline): Uncertain significance. Review status: criteria provided, multiple submitters, no conflicts (2 of 4 stars). 2 submissions from 2 submitters: Uncertain significance (2). Last evaluated 2025-12-09.

Conditions:
Inborn genetic diseases. Identifiers: MedGen C0950123, MeSH D030342.

Allele frequency attached by ClinVar (database versions not stated): gnomAD exomes 0.00004; ExAC 0.00007; TOPMed 0.00005; gnomAD 0.00002; ESP Exome Variant Server 0.00008.
gnomAD v4.1: 58 of 1,614,016 alleles (0.0036%); highest among the groups gnomAD compares: South Asian, 0.014%; no homozygotes.

Submissions (2):

Ambry Genetics
Classification: Uncertain significance for Inborn genetic diseases. Last evaluated: 2025-12-09. Review status: criteria provided, single submitter. Criteria: Ambry Variant Classification Scheme 2023. Collection method: clinical testing. Allele origin: germline.

GeneDx
Classification: Uncertain significance. Last evaluated: 2024-11-20. Review status: criteria provided, single submitter. Criteria: GeneDx Variant Classification Process June 2021. Collection method: clinical testing. Allele origin: germline. Affected: yes.
Comment: In silico analysis indicates that this missense variant does not alter protein structure/function; Has not been previously published as pathogenic or benign to our knowledge